The following is an entry in ClinVar:

ClinVar aggregate classification (germline): Uncertain significance. Review status: criteria provided, multiple submitters, no conflicts (2 of 4 stars). 2 submissions from 2 submitters: Uncertain significance (2). Last evaluated 2024-08-27.

Allele frequency attached by ClinVar (database versions not stated): gnomAD 0.00001.

Submissions (2):

Ambry Genetics
Classification: Uncertain significance. Last evaluated: 2024-08-27. Review status: criteria provided, single submitter. Criteria: Ambry Variant Classification Scheme 2023. Collection method: clinical testing. Allele origin: germline.

Labcorp Genetics (formerly Invitae), Labcorp
Classification: Uncertain significance. Last evaluated: 2022-08-31. Review status: criteria provided, single submitter. Criteria: Invitae Variant Classification Sherloc (09022015). Collection method: clinical testing. Allele origin: germline.
Comment: This sequence change replaces arginine, which is basic and polar, with glutamine, which is neutral and polar, at codon 372 of the SLC27A5 protein (p.Arg372Gln). In summary, the available evidence is currently insufficient to determine the role of this variant in disease. Therefore, it has been classified as a Variant of Uncertain Significance. Algorithms developed to predict the effect of missense changes on protein structure and function (SIFT, PolyPhen-2, Align-GVGD) all suggest that this variant is likely to be tolerated. This variant has not been reported in the literature in individuals affected with SLC27A5-related conditions. This variant is present in population databases (no rsID available, gnomAD 0.007%).

NM_012254.3(SLC27A5):c.1115G>A (p.Arg372Gln)

Gene: SLC27A5 (solute carrier family 27 member 5; minus strand). Cytogenetic location: 19q13.43.
Variant type: single nucleotide variant.
Coding change: c.1115G>A on transcript NM_012254.3 (MANE Select); coding-DNA position 1115, G replaced by A.
Protein change: p.Arg372Gln; replaces arginine 372 with glutamine.
Molecular consequence: missense variant.
Genome position (GRCh38, 1-based): chr19:58,501,353, C>T on the plus strand (G>A on the coding strand, the complement: SLC27A5 is on the minus strand). VCF-style: chr19-58501353-C-T. GRCh37 (hg19) VCF-style: chr19-59012720-C-T.
Other names: c.863G>A, p.Arg288Gln (NM_001321196.2); c.1115G>A (NM_012254.2); short protein forms R288Q, R372Q.
Identifiers: ClinVar variation 1933283 (VCV001933283.6), dbSNP rs780464684, ClinGen allele CA407951836.